The following is an entry in ClinVar:

ClinVar aggregate classification (germline): Pathogenic (1 of 4 stars; one submission).

Conditions:
LAMA2-related muscular dystrophy (LAMA2-RD). Also called: Laminin alpha 2-related dystrophy. Identifiers: MedGen C5679788, MONDO:0100228.

Submission:

Labcorp Genetics (formerly Invitae), Labcorp
Classification: Pathogenic for LAMA2-related muscular dystrophy. Last evaluated: 2022-12-29. Review status: criteria provided, single submitter. Criteria: Invitae Variant Classification Sherloc (09022015). Collection method: clinical testing. Allele origin: germline.
Comment: This sequence change creates a premature translational stop signal (p.Tyr2167*) in the LAMA2 gene. It is expected to result in an absent or disrupted protein product. Loss-of-function variants in LAMA2 are known to be pathogenic (PMID: 18700894, 32904964). This premature translational stop signal has been observed in individual(s) with congenital muscular dystrophy (PMID: 30055037). This variant is not present in population databases (gnomAD no frequency). For these reasons, this variant has been classified as Pathogenic.

Literature cited by the submitters: PubMed 18700894; PubMed 32904964; PubMed 30055037.

NM_000426.4(LAMA2):c.6500dup (p.Tyr2167Ter)

Gene: LAMA2 (laminin subunit alpha 2; plus strand). Cytogenetic location: 6q22.33.
Variant type: Duplication.
Coding change: c.6500dup on transcript NM_000426.4 (MANE Select); coding-DNA position 6500, one base duplicated (A; older notation c.6500dupA).
Protein change: p.Tyr2167Ter; replaces tyrosine 2167 with a stop codon.
Molecular consequence: nonsense.
Genome position (GRCh38, 1-based): chr6:129,453,058, A duplicated. VCF-style (leftmost placement, unchanged base first): chr6-129453057-T-TA. GRCh37 (hg19) VCF-style: chr6-129774202-T-TA.
Other names: c.6500dup, p.Tyr2167Ter (NM_001079823.2); short protein forms Y2167*.
Identifiers: ClinVar variation 2824729 (VCV002824729.3), dbSNP rs2533416410, ClinGen allele CA2739266071.